The following is an entry in ClinVar:

ClinVar aggregate classification (germline): Uncertain significance. Review status: criteria provided, multiple submitters, no conflicts (2 of 4 stars). 2 submissions from 2 submitters: Uncertain significance (2). Last evaluated 2024-11-05.

Conditions:
Developmental and epileptic encephalopathy, 42 (DEE42A). Also called: Epileptic encephalopathy, early infantile, 42; DEVELOPMENTAL AND EPILEPTIC ENCEPHALOPATHY 42A; EPILEPTIC ENCEPHALOPATHY, EARLY INFANTILE, 42A. Identifiers: MedGen C4310716, MONDO:0014917, OMIM 617106.
Episodic ataxia type 2 (EA2). Also called: ATAXIA, EPISODIC, WITH NYSTAGMUS; ATAXIA, FAMILIAL PAROXYSMAL; ACETAZOLAMIDE-RESPONSIVE HEREDITARY PAROXYSMAL CEREBELLAR ATAXIA; CEREBELLAR ATAXIA, PAROXYSMAL, ACETAZOLAMIDE-RESPONSIVE; CEREBELLOPATHY, HEREDITARY PAROXYSMAL; EPISODIC ATAXIA, NYSTAGMUS-ASSOCIATED. Identifiers: Orphanet 97, MedGen C1720416, MONDO:0007163, OMIM 108500.

gnomAD v4.1: 4 of 1,612,710 alleles (0.00025%); highest among the groups gnomAD compares: Non-Finnish European, 0.00025%; no homozygotes.

Submissions (2):

Labcorp Genetics (formerly Invitae), Labcorp
Classification: Uncertain significance for Developmental and epileptic encephalopathy, 42; Episodic ataxia type 2. Last evaluated: 2024-11-05. Review status: criteria provided, single submitter. Criteria: Invitae Variant Classification Sherloc (09022015). Collection method: clinical testing. Allele origin: germline.
Comment: This sequence change replaces alanine, which is neutral and non-polar, with threonine, which is neutral and polar, at codon 116 of the CACNA1A protein (p.Ala116Thr). This variant is not present in population databases (gnomAD no frequency). This variant has not been reported in the literature in individuals affected with CACNA1A-related conditions. ClinVar contains an entry for this variant (Variation ID: 542825). Invitae Evidence Modeling of protein sequence and biophysical properties (such as structural, functional, and spatial information, amino acid conservation, physicochemical variation, residue mobility, and thermodynamic stability) indicates that this missense variant is expected to disrupt CACNA1A protein function with a positive predictive value of 80%. In summary, the available evidence is currently insufficient to determine the role of this variant in disease. Therefore, it has been classified as a Variant of Uncertain Significance.

Blueprint Genetics
Classification: Uncertain significance. Last evaluated: 2022-11-14. Review status: criteria provided, single submitter. Criteria: ACMG Guidelines, 2015. Collection method: clinical testing. Allele origin: germline.

NM_001127222.2(CACNA1A):c.346G>A (p.Ala116Thr)

Gene: CACNA1A (calcium voltage-gated channel subunit alpha1 A; minus strand). Cytogenetic location: 19p13.13.
Variant type: single nucleotide variant.
Coding change: c.346G>A on transcript NM_001127222.2 (MANE Select); coding-DNA position 346, G replaced by A.
Protein change: p.Ala116Thr; replaces alanine 116 with threonine.
Molecular consequence: missense variant.
Genome position (GRCh38, 1-based): chr19:13,455,160, C>T on the plus strand (G>A on the coding strand, the complement: CACNA1A is on the minus strand). VCF-style: chr19-13455160-C-T. GRCh37 (hg19) VCF-style: chr19-13565974-C-T.
Other names: c.346G>A, p.Ala116Thr (NM_000068.4, NM_001127221.2, NM_001174080.2 and 1 more transcripts); short protein forms A116T.
Identifiers: ClinVar variation 542825 (VCV000542825.11), dbSNP rs778725158, ClinGen allele CA404967855.